The following is an entry in ClinVar:

ClinVar aggregate classification (germline): Pathogenic. Review status: criteria provided, multiple submitters, no conflicts (2 of 4 stars). 4 submissions from 4 submitters: Pathogenic (3). 1 of the submissions does not count toward it. Last evaluated 2025-06-06.

Conditions:
Polycystic kidney disease, adult type (PKD1). Also called: Polycystic Kidney Disease 1, Autosomal Dominant; Polycystic kidney disease 1; Polycystic kidney disease 1, severe; Polycystic Kidney, Autosomal Dominant; POLYCYSTIC KIDNEY DISEASE 1 WITH OR WITHOUT POLYCYSTIC LIVER DISEASE; POLYCYSTIC KIDNEY DISEASE, ADULT, TYPE I. Identifiers: MedGen C3149841, MONDO:0008263, OMIM 173900.

Submissions (4):

GeneDx
Classification: Pathogenic. Last evaluated: 2025-06-06. Review status: criteria provided, single submitter. Criteria: GeneDx Variant Classification Process June 2021. Collection method: clinical testing. Allele origin: germline. Affected: yes.
Comment: Frameshift variant predicted to result in protein truncation or nonsense mediated decay in a gene for which loss of function is a known mechanism of disease; Not observed at significant frequency in large population cohorts (gnomAD); This variant is associated with the following publications: (PMID: 30333007, 12007219, 38057357)

Fulgent Genetics
Classification: Pathogenic for Polycystic kidney disease, adult type. Last evaluated: 2024-05-28. Review status: criteria provided, single submitter. Criteria: ACMG Guidelines, 2015. Collection method: clinical testing. Allele origin: germline.

3billion
Classification: Pathogenic for Polycystic kidney disease, adult type. Last evaluated: 2022-09-01. Review status: criteria provided, single submitter. Criteria: ACMG Guidelines, 2015. Collection method: clinical testing. Allele origin: germline. Affected: yes. Observed: 1 heterozygote.
Comment: The variant is observed at an extremely low frequency in the gnomAD v2.1.1 dataset (total allele frequency: <0.001%). Frameshift variant is predicted to result in a loss or disruption of normal protein function through nonsense-mediated decay (NMD) or protein truncation. Multiple pathogenic variants are reported downstream of the variant. The variant has been reported to be associated with PKD1 -related disorder (PMID: 12007219). Therefore, this variant is classified as Pathogenic according to the recommendation of ACMG/AMP guideline.

Genomics And Bioinformatics Analysis Resource, Columbia University
Classification: Likely pathogenic for Polycystic kidney disease, adult type. Review status: no assertion criteria provided. Collection method: research. Allele origin: unknown. Affected: yes. Not counted in ClinVar's aggregate classification.

Literature cited by the submitters: PubMed 12007219 (cited by 3billion).

NM_001009944.3(PKD1):c.6813_6814del (p.Arg2272fs)

Gene: PKD1 (polycystin 1, transient receptor potential channel interacting; minus strand). Cytogenetic location: 16p13.3.
Variant type: Microsatellite.
Coding change: c.6813_6814del on transcript NM_001009944.3 (MANE Select); coding-DNA positions 6813 to 6814, 2 bases deleted (AC; older notation c.6813_6814delAC).
Protein change: p.Arg2272fs; shifts the reading frame from arginine 2272.
Molecular consequence: frameshift variant.
Genome position (GRCh38, 1-based): chr16:2,108,353-2,108,354, GT deleted on the plus strand (AC on the coding strand, the reverse complement: PKD1 is on the minus strand); deleting any 2 consecutive bases within chr16:2,108,353-2,108,358 gives the same sequence; the c. name uses the placement nearest the transcript's 3' end. VCF-style (leftmost placement, unchanged base first): chr16-2108352-CGT-C. GRCh37 (hg19) VCF-style: chr16-2158353-CGT-C.
Other names: c.6813_6814del (NM_001009944.2); c.6813_6814delAC (NM_001009944.3); c.6813_6814del, p.Arg2272fs (NM_000296.4); short protein forms R2272fs.
Identifiers: ClinVar variation 1705472 (VCV001705472.4), dbSNP rs1567191145, ClinGen allele CA620705763.